The following is an entry in ClinVar:

ClinVar aggregate classification (germline): Uncertain significance (1 of 4 stars; one submission).

Submission:

Ambry Genetics
Classification: Uncertain significance. Last evaluated: 2023-10-06. Review status: criteria provided, single submitter. Criteria: Ambry Variant Classification Scheme 2023. Collection method: clinical testing. Allele origin: germline.
Comment: The p.D106V variant (also known as c.317A>T), located in coding exon 1 of the EGLN1 gene, results from an A to T substitution at nucleotide position 317. The aspartic acid at codon 106 is replaced by valine, an amino acid with highly dissimilar properties. This amino acid position is conserved. In addition, this alteration is predicted to be tolerated by in silico analysis. Since supporting evidence is limited at this time, the clinical significance of this alteration remains unclear.

NM_022051.3(EGLN1):c.317A>T (p.Asp106Val)

Gene: EGLN1 (egl-9 family hypoxia inducible factor 1; minus strand). Cytogenetic location: 1q42.2.
Variant type: single nucleotide variant.
Coding change: c.317A>T on transcript NM_022051.3 (MANE Select); coding-DNA position 317, A replaced by T.
Protein change: p.Asp106Val; replaces aspartic acid 106 with valine.
Molecular consequence: missense variant.
Genome position (GRCh38, 1-based): chr1:231,421,572, T>A on the plus strand (A>T on the coding strand, the complement: EGLN1 is on the minus strand). VCF-style: chr1-231421572-T-A. GRCh37 (hg19) VCF-style: chr1-231557318-T-A.
Other names: c.317A>T, p.Asp106Val (NM_001377260.1, NM_001377261.1); short protein forms D106V.
Identifiers: ClinVar variation 3227707 (VCV003227707.1), dbSNP rs1656610218, ClinGen allele CA345237751.